The following is an entry in ClinVar:

NM_001369.3(DNAH5):c.2839_2842del (p.Glu947fs)

Genes: DNAH5 (dynein axonemal heavy chain 5; minus strand), DNAH5-AS1 (DNAH5 antisense RNA 1; plus strand). Cytogenetic location: 5p15.2.
Variant type: Microsatellite.
Coding change: c.2839_2842del on transcript NM_001369.3 (MANE Select); coding-DNA positions 2839 to 2842, 4 bases deleted (GAAA; older notation c.2839_2842delGAAA).
Protein change: p.Glu947fs; shifts the reading frame from glutamic acid 947.
Molecular consequence: frameshift variant.
Genome position (GRCh38, 1-based): chr5:13,885,130-13,885,133, TTTC deleted on the plus strand (GAAA on the coding strand, the reverse complement: DNAH5 is on the minus strand); deleting any 4 consecutive bases within chr5:13,885,130-13,885,140 gives the same sequence; the c. name uses the placement nearest the transcript's 3' end. VCF-style (leftmost placement, unchanged base first): chr5-13885129-GTTTC-G. GRCh37 (hg19) VCF-style: chr5-13885238-GTTTC-G.
Other names: c.2839_2842delGAAA (NM_001369.2); short protein forms E947fs.
Identifiers: ClinVar variation 953299 (VCV000953299.11), dbSNP rs1772220687, ClinGen allele CA1528483383.

ClinVar aggregate classification (germline): Pathogenic/Likely pathogenic. Review status: criteria provided, multiple submitters, no conflicts (2 of 4 stars). 3 submissions from 3 submitters: Pathogenic (1); Likely pathogenic (2). Last evaluated 2025-06-03.

Conditions:
Primary ciliary dyskinesia 3. Identifiers: Orphanet 244, MedGen C1837618, MONDO:0012085, OMIM 608644.
Primary ciliary dyskinesia. Also called: Ciliary dyskinesia. Identifiers: Orphanet 244, MedGen C0008780, MONDO:0016575, HP:0012265.

Submissions (3):

Revvity Omics, Revvity
Classification: Likely pathogenic for Primary ciliary dyskinesia 3. Last evaluated: 2025-06-03. Review status: criteria provided, single submitter. Criteria: ACMG Guidelines, 2015. Collection method: clinical testing. Allele origin: germline.

Natera, Inc.
Classification: Likely pathogenic for Primary ciliary dyskinesia. Last evaluated: 2025-03-20. Review status: criteria provided, single submitter. Criteria: Natera Variant Classification Schema (03/2026). Collection method: clinical testing. Allele origin: germline.
Comment: The c.2839_2842delGAAA variant in DNAH5 is a frameshift variant predicted to shift the reading frame beginning at codon 947 and leads to a stop codon 4 codons downstream. This variant is expected to result in nonsense mediated decay, truncation, or a dysfunctional protein product. This variant is rare in the general population with a frequency below the threshold expected for the associated phenotype(s). Given the available evidence, this variant is classified as Likely Pathogenic.

Labcorp Genetics (formerly Invitae), Labcorp
Classification: Pathogenic for Primary ciliary dyskinesia. Last evaluated: 2022-10-08. Review status: criteria provided, single submitter. Criteria: Invitae Variant Classification Sherloc (09022015). Collection method: clinical testing. Allele origin: germline.
Comment: For these reasons, this variant has been classified as Pathogenic. ClinVar contains an entry for this variant (Variation ID: 953299). This variant has not been reported in the literature in individuals affected with DNAH5-related conditions. This variant is not present in population databases (gnomAD no frequency). This sequence change creates a premature translational stop signal (p.Glu947Leufs*4) in the DNAH5 gene. It is expected to result in an absent or disrupted protein product. Loss-of-function variants in DNAH5 are known to be pathogenic (PMID: 11788826, 16627867).

Literature cited by the submitters: PubMed 11788826 (cited by Labcorp Genetics (formerly Invitae), Labcorp); PubMed 16627867 (cited by Labcorp Genetics (formerly Invitae), Labcorp).